The following is an entry in ClinVar:

NM_004304.5(ALK):c.884C>T (p.Ser295Phe)

Gene: ALK (ALK receptor tyrosine kinase; minus strand). Cytogenetic location: 2p23.2.
Variant type: single nucleotide variant.
Coding change: c.884C>T on transcript NM_004304.5 (MANE Select); coding-DNA position 884, C replaced by T.
Protein change: p.Ser295Phe; replaces serine 295 with phenylalanine.
Molecular consequence: missense variant.
Genome position (GRCh38, 1-based): chr2:29,694,918, G>A on the plus strand (C>T on the coding strand, the complement: ALK is on the minus strand). VCF-style: chr2-29694918-G-A. GRCh37 (hg19) VCF-style: chr2-29917784-G-A.
Other names: short protein forms S295F.
Identifiers: ClinVar variation 579201 (VCV000579201.10), dbSNP rs754823963, ClinGen allele CA1594829.

ClinVar aggregate classification (germline): Uncertain significance. Review status: criteria provided, multiple submitters, no conflicts (2 of 4 stars). 3 submissions from 3 submitters: Uncertain significance (3). Last evaluated 2025-05-09.

Conditions:
Hereditary cancer-predisposing syndrome. Also called: Hereditary neoplastic syndrome; Tumor predisposition; Hereditary Cancer Syndrome; Neoplastic Syndromes, Hereditary. Identifiers: Orphanet 140162, MedGen C0027672, MeSH D009386, MONDO:0015356.
Neuroblastoma, susceptibility to, 3. Also called: ALK-Related Neuroblastic Tumor Susceptibility. Identifiers: Orphanet 635, MedGen C2751681, MONDO:0013083, OMIM 613014.

Allele frequency attached by ClinVar (database versions not stated): gnomAD exomes below 0.00001 and 0.00001; ExAC 0.00002; TOPMed 0.00002.
gnomAD v4.1: 1 of 1,614,136 alleles (0.000062%); highest among the groups gnomAD compares: Admixed American, 0.0017%; no homozygotes.

Submissions (3):

Labcorp Genetics (formerly Invitae), Labcorp
Classification: Uncertain significance for Neuroblastoma, susceptibility to, 3. Last evaluated: 2025-05-09. Review status: criteria provided, single submitter. Criteria: Invitae Variant Classification Sherloc (09022015). Collection method: clinical testing. Allele origin: germline.
Comment: This sequence change replaces serine, which is neutral and polar, with phenylalanine, which is neutral and non-polar, at codon 295 of the ALK protein (p.Ser295Phe). This variant is present in population databases (rs754823963, gnomAD 0.003%). This variant has not been reported in the literature in individuals affected with ALK-related conditions. ClinVar contains an entry for this variant (Variation ID: 579201). An algorithm developed to predict the effect of missense changes on protein structure and function (PolyPhen-2) suggests that this variant is likely to be tolerated. In summary, the available evidence is currently insufficient to determine the role of this variant in disease. Therefore, it has been classified as a Variant of Uncertain Significance.

Ambry Genetics
Classification: Uncertain significance for Hereditary cancer-predisposing syndrome. Last evaluated: 2024-12-15. Review status: criteria provided, single submitter. Criteria: Ambry Variant Classification Scheme 2023. Collection method: clinical testing. Allele origin: germline.
Comment: The p.S295F variant (also known as c.884C>T), located in coding exon 3 of the ALK gene, results from a C to T substitution at nucleotide position 884. The serine at codon 295 is replaced by phenylalanine, an amino acid with highly dissimilar properties. This amino acid position is conserved. In addition, this alteration is predicted to be tolerated by in silico analysis. Based on the available evidence, the clinical significance of this variant remains unclear.

Baylor Genetics
Classification: Uncertain significance for Neuroblastoma, susceptibility to, 3. Last evaluated: 2023-10-17. Review status: criteria provided, single submitter. Criteria: ACMG Guidelines, 2015. Collection method: clinical testing. Allele origin: unknown.